The following is an entry in ClinVar:

NM_173076.3(ABCA12):c.740_743del (p.Val247fs)

Gene: ABCA12 (ATP binding cassette subfamily A member 12; minus strand). Cytogenetic location: 2q35.
Variant type: Deletion.
Coding change: c.740_743del on transcript NM_173076.3 (MANE Select); coding-DNA positions 740 to 743, 4 bases deleted (TCAG; older notation c.740_743delTCAG).
Protein change: p.Val247fs; shifts the reading frame from valine 247.
Molecular consequence: frameshift variant. On other transcripts: non-coding transcript variant (1).
Genome position (GRCh38, 1-based): chr2:215,045,966-215,045,969, CTGA deleted on the plus strand (TCAG on the coding strand, the reverse complement: ABCA12 is on the minus strand); deleting any 4 consecutive bases within chr2:215,045,966-215,045,971 gives the same sequence; the c. name uses the placement nearest the transcript's 3' end. VCF-style (leftmost placement, unchanged base first): chr2-215045965-TCTGA-T. GRCh37 (hg19) VCF-style: chr2-215910689-TCTGA-T.
Other names: short protein forms V247fs.
Identifiers: ClinVar variation 2807855 (VCV002807855.3), dbSNP rs2469406811, ClinGen allele CA2586971208.

ClinVar aggregate classification (germline): Pathogenic (1 of 4 stars; one submission).

Submission:

Labcorp Genetics (formerly Invitae), Labcorp
Classification: Pathogenic. Last evaluated: 2023-11-01. Review status: criteria provided, single submitter. Criteria: Invitae Variant Classification Sherloc (09022015). Collection method: clinical testing. Allele origin: germline.
Comment: This sequence change creates a premature translational stop signal (p.Val247Glufs*32) in the ABCA12 gene. It is expected to result in an absent or disrupted protein product. Loss-of-function variants in ABCA12 are known to be pathogenic (PMID: 20672373). This variant is not present in population databases (gnomAD no frequency). This variant has not been reported in the literature in individuals affected with ABCA12-related conditions. For these reasons, this variant has been classified as Pathogenic.

Literature cited by the submitters: PubMed 20672373.